The following is an entry in ClinVar:

ClinVar aggregate classification (germline): Uncertain significance (1 of 4 stars; one submission).

Conditions:
Dyskeratosis congenita, autosomal recessive 6 (DKCB6). Identifiers: MedGen C4225356, MONDO:0014600, OMIM 616353.
Pulmonary fibrosis and/or bone marrow failure, Telomere-related, 4. Also called: PULMONARY FIBROSIS AND/OR BONE MARROW FAILURE SYNDROME, TELOMERE-RELATED, 4. Identifiers: Orphanet 2032, MedGen C4225347, MONDO:0014612, OMIM 616371.

Allele frequency attached by ClinVar (database versions not stated): gnomAD exomes below 0.00001 and 0.00001; TOPMed below 0.00001; gnomAD 0.00001; ExAC 0.00002; 1000 Genomes Project 0.00020; 1000 Genomes Project 30x 0.00031.
gnomAD v4.1: 7 of 1,588,080 alleles (0.00044%); highest among the groups gnomAD compares: Admixed American, 0.0054%; no homozygotes.

Submission:

Labcorp Genetics (formerly Invitae), Labcorp
Classification: Uncertain significance for Dyskeratosis congenita, autosomal recessive 6; Pulmonary fibrosis and/or bone marrow failure, Telomere-related, 4. Last evaluated: 2024-05-08. Review status: criteria provided, single submitter. Criteria: Invitae Variant Classification Sherloc (09022015). Collection method: clinical testing. Allele origin: germline.
Comment: This sequence change replaces isoleucine, which is neutral and non-polar, with valine, which is neutral and non-polar, at codon 624 of the PARN protein (p.Ile624Val). The frequency data for this variant in the population databases is considered unreliable, as metrics indicate poor data quality at this position in the gnomAD database. This variant has not been reported in the literature in individuals affected with PARN-related conditions. ClinVar contains an entry for this variant (Variation ID: 1444013). Algorithms developed to predict the effect of missense changes on protein structure and function output the following: SIFT: "Not Available"; PolyPhen-2: "Benign"; Align-GVGD: "Not Available". The valine amino acid residue is found in multiple mammalian species, which suggests that this missense change does not adversely affect protein function. In summary, the available evidence is currently insufficient to determine the role of this variant in disease. Therefore, it has been classified as a Variant of Uncertain Significance.

NM_002582.4(PARN):c.1870A>G (p.Ile624Val)

Gene: PARN (poly(A)-specific ribonuclease; minus strand). Cytogenetic location: 16p13.12.
Variant type: single nucleotide variant.
Coding change: c.1870A>G on transcript NM_002582.4 (MANE Select); coding-DNA position 1870, A replaced by G.
Protein change: p.Ile624Val; replaces isoleucine 624 with valine.
Molecular consequence: missense variant.
Genome position (GRCh38, 1-based): chr16:14,436,767, T>C on the plus strand (A>G on the coding strand, the complement: PARN is on the minus strand). VCF-style: chr16-14436767-T-C. GRCh37 (hg19) VCF-style: chr16-14530624-T-C.
Other names: c.1687A>G, p.Ile563Val (NM_001134477.3); c.1732A>G, p.Ile578Val (NM_001242992.2); short protein forms I624V, I578V, I563V.
Identifiers: ClinVar variation 1444013 (VCV001444013.8), dbSNP rs535627250, ClinGen allele CA7911900.